The following is an entry in ClinVar:

NM_153700.2(STRC):c.166C>T (p.Arg56Cys)

Gene: STRC (stereocilin; minus strand). Cytogenetic location: 15q15.3.
Variant type: single nucleotide variant.
Coding change: c.166C>T on transcript NM_153700.2 (MANE Select); coding-DNA position 166, C replaced by T.
Protein change: p.Arg56Cys; replaces arginine 56 with cysteine.
Molecular consequence: missense variant.
Genome position (GRCh38, 1-based): chr15:43,618,255, G>A on the plus strand (C>T on the coding strand, the complement: STRC is on the minus strand). VCF-style: chr15-43618255-G-A. GRCh37 (hg19) VCF-style: chr15-43910453-G-A.
Other names: short protein forms R56C.
Identifiers: ClinVar variation 5039412 (VCV005039412.1).
Genomic context (GRCh38, chr15:43,618,255, plus strand): 5'-CCATTCTCCCAGGCTCAAAGGAAGAAGAAATGTTGGCCAGGAATGTAAAGAACCGTGAGC[G>A]GCTCAGGGAGCCCTGGGGAGCCTGGTCCAGAGTGGAGAGCAATGACTTCAGGAAGGAGAG-3'
Protein context (NP_714544.1, residues 46-66): LDQAPQGSLS[Arg56Cys]SRFFTFLANI

ClinVar aggregate classification (germline): Uncertain significance (1 of 4 stars; one submission).

Submission:

CeGaT Center for Human Genetics Tuebingen
Classification: Uncertain significance. Last evaluated: 2026-08-01. Review status: criteria provided, single submitter. Criteria: CeGaT Center For Human Genetics Tuebingen Variant Classification Criteria Version 2. Collection method: clinical testing. Allele origin: germline. Affected: yes. Observed: 1 variant allele.
Comment: STRC: PM2, PM3, BP4